The following is an entry in ClinVar:

NM_057088.3(KRT3):c.423T>A (p.Gly141=)

Gene: KRT3 (keratin 3; minus strand). Cytogenetic location: 12q13.13.
Variant type: single nucleotide variant.
Coding change: c.423T>A on transcript NM_057088.3 (MANE Select); coding-DNA position 423, T replaced by A.
Protein change: p.Gly141=; no amino-acid change (glycine 141 retained).
Molecular consequence: synonymous variant.
Genome position (GRCh38, 1-based): chr12:52,795,620, A>T on the plus strand (T>A on the coding strand, the complement: KRT3 is on the minus strand). VCF-style: chr12-52795620-A-T. GRCh37 (hg19) VCF-style: chr12-53189404-A-T.
Identifiers: ClinVar variation 737049 (VCV000737049.33), dbSNP rs376823412, ClinGen allele CA6588221.

ClinVar aggregate classification (germline): Benign/Likely benign. Review status: criteria provided, multiple submitters, no conflicts (2 of 4 stars). 3 submissions from 3 submitters: Benign (2); Likely benign (1). Last evaluated 2023-02-14.

Allele frequency attached by ClinVar (database versions not stated): 1000 Genomes Project 30x 0.00016; ExAC 0.00029; gnomAD 0.00029 and 0.00031; ESP Exome Variant Server 0.00046; TOPMed 0.00051.
gnomAD v4.1: 687 of 1,588,188 alleles (0.043%); highest among the groups gnomAD compares: Middle Eastern, 0.38%; 2 homozygotes.

Submissions (3):

Labcorp Genetics (formerly Invitae), Labcorp
Classification: Benign. Last evaluated: 2023-02-14. Review status: criteria provided, single submitter. Criteria: Invitae Variant Classification Sherloc (09022015). Collection method: clinical testing. Allele origin: germline.

CeGaT Center for Human Genetics Tuebingen
Classification: Likely benign. Last evaluated: 2022-08-01. Review status: criteria provided, single submitter. Criteria: CeGaT Center For Human Genetics Tuebingen Variant Classification Criteria Version 2. Collection method: clinical testing. Allele origin: germline. Affected: yes. Observed: 1 variant allele.
Comment: KRT3: BP4, BP7

Breakthrough Genomics
Classification: Benign. Review status: criteria provided, single submitter. Criteria: ACMG Guidelines, 2015. Collection method: not provided. Allele origin: germline. Inheritance: Autosomal dominant inheritance. Affected: yes.